The following is an entry in ClinVar:

ClinVar aggregate classification (germline): Likely pathogenic (1 of 4 stars; one submission).

Conditions:
Acute infantile liver failure due to synthesis defect of mtDNA-encoded proteins. Also called: Liver failure acute infantile; LIVER FAILURE, INFANTILE, TRANSIENT; TRMU Deficiency. Identifiers: Orphanet 217371, MedGen C3278664, MONDO:0013111, OMIM 613070.

Submission:

Natera, Inc.
Classification: Likely pathogenic for Acute infantile liver failure due to synthesis defect of mtDNA-encoded proteins. Last evaluated: 2024-06-14. Review status: criteria provided, single submitter. Criteria: Natera Variant Classification Schema (03/2026). Collection method: clinical testing. Allele origin: germline.
Comment: The c.590_591delAA variant in TRMU is a frameshift variant predicted to shift the reading frame beginning at codon 197 and leads to a stop codon 9 codons downstream. This variant is expected to result in nonsense mediated decay, truncation, or a dysfunctional protein product. This variant is rare in the general population with a frequency below the threshold expected for the associated phenotype(s). Given the available evidence, this variant is classified as Likely Pathogenic.

NM_018006.5(TRMU):c.590_591del (p.Lys197fs)

Gene: TRMU (tRNA mitochondrial 2-thiouridylase; plus strand). Cytogenetic location: 22q13.31.
Variant type: Deletion.
Coding change: c.590_591del on transcript NM_018006.5 (MANE Select); coding-DNA positions 590 to 591, 2 bases deleted (AA; older notation c.590_591delAA).
Protein change: p.Lys197fs; shifts the reading frame from lysine 197.
Molecular consequence: frameshift variant. On other transcripts: non-coding transcript variant (2).
Genome position (GRCh38, 1-based): chr22:46,350,402-46,350,403, AA deleted; deleting any 2 consecutive bases within chr22:46,350,401-46,350,403 gives the same sequence; the c. name uses the placement nearest the transcript's 3' end. VCF-style (leftmost placement, unchanged base first): chr22-46350400-GAA-G. GRCh37 (hg19) VCF-style: chr22-46746297-GAA-G.
Other names: c.248_249del, p.Lys83fs (NM_001282782.2); c.170_171del, p.Lys57fs (NM_001282783.2, NM_001282784.2); c.590_591del, p.Lys197fs (NM_001282785.2); short protein forms K197fs, K57fs, K83fs.
Identifiers: ClinVar variation 4815996 (VCV004815996.1).